The following is an entry in ClinVar:

NM_016203.4(PRKAG2):c.130G>A (p.Ala44Thr)

Gene: PRKAG2 (protein kinase AMP-activated non-catalytic subunit gamma 2; minus strand). Cytogenetic location: 7q36.1.
Variant type: single nucleotide variant.
Coding change: c.130G>A on transcript NM_016203.4 (MANE Select); coding-DNA position 130, G replaced by A.
Protein change: p.Ala44Thr; replaces alanine 44 with threonine.
Molecular consequence: missense variant. On other transcripts: 5 prime UTR variant (1).
Genome position (GRCh38, 1-based): chr7:151,786,526, C>T on the plus strand (G>A on the coding strand, the complement: PRKAG2 is on the minus strand). VCF-style: chr7-151786526-C-T. GRCh37 (hg19) VCF-style: chr7-151483612-C-T.
Other names: p.A44T:GCC>ACC; c.-3G>A (NM_001040633.2); short protein forms A44T.
Identifiers: ClinVar variation 45694 (VCV000045694.29), dbSNP rs144857453, ClinGen allele CA013467.

ClinVar aggregate classification (germline): Conflicting classifications of pathogenicity. Review status: criteria provided, conflicting classifications (1 of 4 stars). 9 submissions from 9 submitters: Uncertain significance (3); Likely benign (6). Last evaluated 2026-03-27.

Conditions:
Cardiovascular phenotype. Identifiers: MedGen CN230736.
Cardiomyopathy (CMYO). Also called: Cardiomyopathies. Identifiers: Orphanet 167848, MedGen C0878544, MONDO:0004994, HP:0001638. Inheritance: Various modes of inheritance.
Lethal congenital glycogen storage disease of heart. Also called: GLYCOGEN STORAGE DISEASE OF HEART; PHOSPHORYLASE KINASE DEFICIENCY OF HEART. Identifiers: Orphanet 439854, MedGen C1849813, MONDO:0009867, OMIM 261740.
Primary dilated cardiomyopathy (DCM). Also called: Dilated Cardiomyopathy. Identifiers: Orphanet 217604, MedGen C0007193, MeSH D002311, MONDO:0005021, HP:0001644. Inheritance: Various modes of inheritance.

Allele frequency attached by ClinVar (database versions not stated): gnomAD 0.00006 and 0.00013; TOPMed 0.00010; ExAC 0.00025; 1000 Genomes Project 30x 0.00078; 1000 Genomes Project 0.00100.

Submissions (9):

Molecular Diagnostic Laboratory for Inherited Cardiovascular Disease, Montreal Heart Institute
Classification: Likely benign. Last evaluated: 2026-03-27. Review status: criteria provided, single submitter. Criteria: ACMG Guidelines, 2015. Collection method: clinical testing. Allele origin: germline. Affected: no.
Comment: BS1;BP4

Labcorp Genetics (formerly Invitae), Labcorp
Classification: Likely benign for Lethal congenital glycogen storage disease of heart. Last evaluated: 2025-09-01. Review status: criteria provided, single submitter. Criteria: Invitae Variant Classification Sherloc (09022015). Collection method: clinical testing. Allele origin: germline.

Blueprint Genetics
Classification: Likely benign. Last evaluated: 2023-08-08. Review status: criteria provided, single submitter. Criteria: ACMG Guidelines, 2015. Collection method: clinical testing. Allele origin: germline.

Laboratory for Molecular Medicine, Mass General Brigham Personalized Medicine
Classification: Uncertain significance for Primary dilated cardiomyopathy. Last evaluated: 2023-03-28. Review status: criteria provided, single submitter. Criteria: ACMG Guidelines, 2015. Collection method: clinical testing. Allele origin: germline.
Comment: The p.Ala44Thr variant in PRKAG2 is classified as likely benign because It has also been identified in 0.3% (16/5190) of East Asian chromosomes by gnomAD (v.3.1.2), and computational prediction tools and conservation analyses suggest that this variant may not impact the protein. ACMG/AMP criteria applied: BS1, BP4.

Ambry Genetics
Classification: Likely benign for Cardiovascular phenotype. Last evaluated: 2020-09-29. Review status: criteria provided, single submitter. Criteria: Ambry Variant Classification Scheme 2023. Collection method: clinical testing. Allele origin: germline.

GeneDx
Classification: Likely benign. Last evaluated: 2019-10-22. Review status: criteria provided, single submitter. Criteria: GeneDx Variant Classification Process June 2021. Collection method: clinical testing. Allele origin: germline. Affected: yes.
Comment: This variant is associated with the following publications: (PMID: 26265630, 32150461)

Color Diagnostics, LLC DBA Color Health
Classification: Likely benign for Cardiomyopathy. Last evaluated: 2018-06-04. Review status: criteria provided, single submitter. Criteria: ACMG Guidelines, 2015. Collection method: clinical testing. Allele origin: germline.

CHEO Genetics Diagnostic Laboratory, Children's Hospital of Eastern Ontario
Classification: Uncertain significance for Cardiomyopathy. Last evaluated: 2016-10-20. Review status: criteria provided, single submitter. Criteria: ACMG Guidelines, 2015. Collection method: clinical testing. Allele origin: germline. Study: Canadian Open Genetics Repository.

Stanford Center for Inherited Cardiovascular Disease, Stanford University
Classification: Uncertain significance. Last evaluated: 2012-07-30. Review status: criteria provided, single submitter. Criteria: ACMG Guidelines, 2015. Collection method: provider interpretation. Allele origin: germline.

Literature cited by the submitters: PubMed 24938736 (cited by Ambry Genetics); PubMed 26265630 (cited by Ambry Genetics).